The following is an entry in ClinVar:

ClinVar aggregate classification (germline): Likely benign (1 of 4 stars; one submission).

Submission:

CeGaT Center for Human Genetics Tuebingen
Classification: Likely benign. Last evaluated: 2026-07-01. Review status: criteria provided, single submitter. Criteria: CeGaT Center For Human Genetics Tuebingen Variant Classification Criteria Version 2. Collection method: clinical testing. Allele origin: germline. Affected: yes. Observed: 1 variant allele.
Comment: AHNAK2: BP4, BP7

NM_138420.4(AHNAK2):c.2649T>A (p.Ile883=)

Gene: AHNAK2 (AHNAK nucleoprotein 2; minus strand). Cytogenetic location: 14q32.33.
Variant type: single nucleotide variant.
Coding change: c.2649T>A on transcript NM_138420.4 (MANE Select); coding-DNA position 2649, T replaced by A.
Protein change: p.Ile883=; no amino-acid change (isoleucine 883 retained).
Molecular consequence: synonymous variant.
Genome position (GRCh38, 1-based): chr14:104,952,802, A>T on the plus strand (T>A on the coding strand, the complement: AHNAK2 is on the minus strand). VCF-style: chr14-104952802-A-T. GRCh37 (hg19) VCF-style: chr14-105419139-A-T.
Other names: c.2349T>A, p.Ile783= (NM_001350929.2).
Identifiers: ClinVar variation 5039319 (VCV005039319.1).